The following is an entry in ClinVar:

ClinVar aggregate classification (germline): Uncertain significance. Review status: criteria provided, multiple submitters, no conflicts (2 of 4 stars). 2 submissions from 2 submitters: Uncertain significance (2). Last evaluated 2024-05-08.

Conditions:
Wolfram-like syndrome. Also called: HEARING LOSS, PROGRESSIVE, WITH OPTIC ATROPHY AND/OR IMPAIRED GLUCOSE REGULATION. Identifiers: Orphanet 411590, MedGen C3280358, MONDO:0013673, OMIM 614296.
Cataract 41 (CTRCT41). Also called: CATARACT 41, CONGENITAL NUCLEAR TYPE. Identifiers: Orphanet 91492, Orphanet 98991, Orphanet 98992, Orphanet 98995, MedGen C3805412, MONDO:0007287, OMIM 116400.
Autosomal dominant nonsyndromic hearing loss 6 (LFSNHL). Also called: DEAFNESS, AUTOSOMAL DOMINANT 6; DEAFNESS, AUTOSOMAL DOMINANT 14; DEAFNESS, AUTOSOMAL DOMINANT 38; Autosomal dominant nonsyndromic deafness 6. Identifiers: Orphanet 90635, MedGen C1833021, MONDO:0010963, OMIM 600965.
Type 2 diabetes mellitus. Also called: Type II diabetes mellitus. Identifiers: MedGen C0011860, MeSH D003924, MONDO:0005148, OMIM 125853, HP:0005978.
Wolfram syndrome 1 (WFS1). Identifiers: Orphanet 3463, MedGen C4551693, MONDO:0009101, OMIM 222300.

Allele frequency attached by ClinVar (database versions not stated): ExAC 0.00001; gnomAD 0.00001.
gnomAD v4.1: 3 of 1,613,996 alleles (0.00019%); highest among the groups gnomAD compares: Admixed American, 0.005%; no homozygotes.

Submissions (2):

Fulgent Genetics
Classification: Uncertain significance for Cataract 41; Type 2 diabetes mellitus; Wolfram syndrome 1; Autosomal dominant nonsyndromic hearing loss 6; Wolfram-like syndrome. Last evaluated: 2024-05-08. Review status: criteria provided, single submitter. Criteria: ACMG Guidelines, 2015. Collection method: clinical testing. Allele origin: germline.

Labcorp Genetics (formerly Invitae), Labcorp
Classification: Uncertain significance. Last evaluated: 2023-03-02. Review status: criteria provided, single submitter. Criteria: Invitae Variant Classification Sherloc (09022015). Collection method: clinical testing. Allele origin: germline.
Comment: In summary, the available evidence is currently insufficient to determine the role of this variant in disease. Therefore, it has been classified as a Variant of Uncertain Significance. Advanced modeling of protein sequence and biophysical properties (such as structural, functional, and spatial information, amino acid conservation, physicochemical variation, residue mobility, and thermodynamic stability) performed at Invitae indicates that this missense variant is not expected to disrupt WFS1 protein function. ClinVar contains an entry for this variant (Variation ID: 2186674). This variant has not been reported in the literature in individuals affected with WFS1-related conditions. This variant is present in population databases (rs766526922, gnomAD 0.006%). This sequence change replaces valine, which is neutral and non-polar, with leucine, which is neutral and non-polar, at codon 620 of the WFS1 protein (p.Val620Leu).

NM_006005.3(WFS1):c.1858G>C (p.Val620Leu)

Gene: WFS1 (wolframin ER transmembrane glycoprotein; plus strand). Cytogenetic location: 4p16.1.
Variant type: single nucleotide variant.
Coding change: c.1858G>C on transcript NM_006005.3 (MANE Select); coding-DNA position 1858, G replaced by C.
Protein change: p.Val620Leu; replaces valine 620 with leucine.
Molecular consequence: missense variant.
Genome position (GRCh38, 1-based): chr4:6,301,653, G>C. VCF-style: chr4-6301653-G-C. GRCh37 (hg19) VCF-style: chr4-6303380-G-C.
Other names: c.1858G>C, p.Val620Leu (NM_001145853.1); short protein forms V620L.
Identifiers: ClinVar variation 2186674 (VCV002186674.5), dbSNP rs766526922, ClinGen allele CA2839522.